The following is an entry in ClinVar:

ClinVar aggregate classification (germline): Uncertain significance (1 of 4 stars; one submission).

Conditions:
Perlman syndrome (PRLMNS). Identifiers: Orphanet 2849, MedGen C0796113, MONDO:0009965, OMIM 267000.

Submission:

Labcorp Genetics (formerly Invitae), Labcorp
Classification: Uncertain significance for Perlman syndrome. Last evaluated: 2024-02-24. Review status: criteria provided, single submitter. Criteria: Invitae Variant Classification Sherloc (09022015). Collection method: clinical testing. Allele origin: germline.
Comment: This sequence change replaces tyrosine, which is neutral and polar, with serine, which is neutral and polar, at codon 573 of the DIS3L2 protein (p.Tyr573Ser). This variant is not present in population databases (gnomAD no frequency). This variant has not been reported in the literature in individuals affected with DIS3L2-related conditions. Advanced modeling of protein sequence and biophysical properties (such as structural, functional, and spatial information, amino acid conservation, physicochemical variation, residue mobility, and thermodynamic stability) performed at Invitae indicates that this missense variant is not expected to disrupt DIS3L2 protein function with a negative predictive value of 80%. In summary, the available evidence is currently insufficient to determine the role of this variant in disease. Therefore, it has been classified as a Variant of Uncertain Significance.

NM_152383.5(DIS3L2):c.1718A>C (p.Tyr573Ser)

Gene: DIS3L2 (DIS3 like 3'-5' exoribonuclease 2; plus strand). Cytogenetic location: 2q37.1.
Variant type: single nucleotide variant.
Coding change: c.1718A>C on transcript NM_152383.5 (MANE Select); coding-DNA position 1718, A replaced by C.
Protein change: p.Tyr573Ser; replaces tyrosine 573 with serine.
Molecular consequence: missense variant. On other transcripts: non-coding transcript variant (2), intron variant (1).
Genome position (GRCh38, 1-based): chr2:232,300,098, A>C. VCF-style: chr2-232300098-A-C. GRCh37 (hg19) VCF-style: chr2-233164808-A-C.
Other names: c.1581+36736A>C (NM_001257281.2); short protein forms Y573S.
Identifiers: ClinVar variation 3614157 (VCV003614157.2).